The following is an entry in ClinVar:

ClinVar aggregate classification (germline): Uncertain significance. Review status: criteria provided, multiple submitters, no conflicts (2 of 4 stars). 4 submissions from 4 submitters: Uncertain significance (4). Last evaluated 2025-12-15.

Conditions:
Fanconi anemia (FA). Also called: Fanconi's anemia. Identifiers: Orphanet 84, MedGen C0015625, MeSH D005199, MONDO:0019391.
Fanconi anemia complementation group P. Also called: SLX4-Related Fanconi Anemia. Identifiers: Orphanet 84, MedGen C3469542, MONDO:0013499, OMIM 613951.

Allele frequency attached by ClinVar (database versions not stated): gnomAD 0.00002 and 0.00005; TOPMed 0.00002; gnomAD exomes 0.00005 and 0.00007; ExAC 0.00007.
gnomAD v4.1: 79 of 1,613,524 alleles (0.0049%); highest among the groups gnomAD compares: South Asian, 0.056%; 1 homozygote.

Submissions (4):

Labcorp Genetics (formerly Invitae), Labcorp
Classification: Uncertain significance for Fanconi anemia. Last evaluated: 2025-12-15. Review status: criteria provided, single submitter. Criteria: Invitae Variant Classification Sherloc (09022015). Collection method: clinical testing. Allele origin: germline.
Comment: This sequence change replaces proline, which is neutral and non-polar, with leucine, which is neutral and non-polar, at codon 715 of the SLX4 protein (p.Pro715Leu). This variant is present in population databases (rs749399683, gnomAD 0.03%). This variant has not been reported in the literature in individuals affected with SLX4-related conditions. ClinVar contains an entry for this variant (Variation ID: 884273). An algorithm developed to predict the effect of missense changes on protein structure and function (PolyPhen-2) suggests that this variant is likely to be disruptive. In summary, the available evidence is currently insufficient to determine the role of this variant in disease. Therefore, it has been classified as a Variant of Uncertain Significance.

Fulgent Genetics
Classification: Uncertain significance for Fanconi anemia complementation group P. Last evaluated: 2024-01-02. Review status: criteria provided, single submitter. Criteria: ACMG Guidelines, 2015. Collection method: clinical testing. Allele origin: germline.

Illumina Laboratory Services, Illumina
Classification: Uncertain significance for Fanconi anemia complementation group P. Last evaluated: 2018-01-13. Review status: criteria provided, single submitter. Criteria: ICSL Variant Classification Criteria 13 December 2019. Collection method: clinical testing. Allele origin: germline.

Breakthrough Genomics
Classification: Uncertain significance. Review status: criteria provided, single submitter. Criteria: ACMG Guidelines, 2015. Collection method: not provided. Allele origin: germline. Inheritance: Autosomal recessive inheritance. Affected: yes.

NM_032444.4(SLX4):c.2144C>T (p.Pro715Leu)

Gene: SLX4 (SLX4 structure-specific endonuclease subunit; minus strand). Cytogenetic location: 16p13.3.
Variant type: single nucleotide variant.
Coding change: c.2144C>T on transcript NM_032444.4 (MANE Select); coding-DNA position 2144, C replaced by T.
Protein change: p.Pro715Leu; replaces proline 715 with leucine.
Molecular consequence: missense variant.
Genome position (GRCh38, 1-based): chr16:3,594,469, G>A on the plus strand (C>T on the coding strand, the complement: SLX4 is on the minus strand). VCF-style: chr16-3594469-G-A. GRCh37 (hg19) VCF-style: chr16-3644470-G-A.
Other names: short protein forms P715L.
Identifiers: ClinVar variation 884273 (VCV000884273.10), dbSNP rs749399683, ClinGen allele CA7866280.